The following is an entry in ClinVar:

ClinVar aggregate classification (germline): Conflicting classifications of pathogenicity. Review status: criteria provided, conflicting classifications (1 of 4 stars). 2 submissions from 2 submitters: Likely pathogenic (1); Uncertain significance (1). Last evaluated 2025-09-23.

Conditions:
Citrullinemia, type II, adult-onset (CDAA). Also called: CITRIN DEFICIENCY, ADOLESCENT OR ADULT ONSET. Identifiers: Orphanet 247585, MedGen CN295299, MONDO:0011326, OMIM 603471.
Citrin deficiency. Identifiers: Orphanet 247582, MedGen C1997910, MONDO:0016602.

Submissions (2):

Labcorp Genetics (formerly Invitae), Labcorp
Classification: Uncertain significance for Citrin deficiency. Last evaluated: 2025-09-23. Review status: criteria provided, single submitter. Criteria: Invitae Variant Classification Sherloc (09022015). Collection method: clinical testing. Allele origin: germline.
Comment: This sequence change replaces alanine, which is neutral and non-polar, with glutamic acid, which is acidic and polar, at codon 25 of the SLC25A13 protein (p.Ala25Glu). The frequency data for this variant in the population databases is considered unreliable, as metrics indicate poor data quality at this position in the gnomAD database. This missense change has been observed in individual(s) with clinical features of SLC25A13-related conditions (PMID: 19036621, 25365849). ClinVar contains an entry for this variant (Variation ID: 2678843). Invitae Evidence Modeling of protein sequence and biophysical properties (such as structural, functional, and spatial information, amino acid conservation, physicochemical variation, residue mobility, and thermodynamic stability) indicates that this missense variant is expected to disrupt SLC25A13 protein function with a positive predictive value of 95%. In summary, the available evidence is currently insufficient to determine the role of this variant in disease. Therefore, it has been classified as a Variant of Uncertain Significance.

Baylor Genetics
Classification: Likely pathogenic for Citrullinemia, type II, adult-onset. Last evaluated: 2022-03-23. Review status: criteria provided, single submitter. Criteria: ACMG Guidelines, 2015. Collection method: clinical testing. Allele origin: unknown.

Literature cited by the submitters: PubMed 19036621 (cited by Labcorp Genetics (formerly Invitae), Labcorp); PubMed 25365849 (cited by Labcorp Genetics (formerly Invitae), Labcorp).

NM_014251.3(SLC25A13):c.74C>A (p.Ala25Glu)

Gene: SLC25A13 (solute carrier family 25 member 13; minus strand). Cytogenetic location: 7q21.3.
Variant type: single nucleotide variant.
Coding change: c.74C>A on transcript NM_014251.3 (MANE Select); coding-DNA position 74, C replaced by A.
Protein change: p.Ala25Glu; replaces alanine 25 with glutamic acid.
Molecular consequence: missense variant. On other transcripts: non-coding transcript variant (1).
Genome position (GRCh38, 1-based): chr7:96,277,334, G>T on the plus strand (C>A on the coding strand, the complement: SLC25A13 is on the minus strand). VCF-style: chr7-96277334-G-T. GRCh37 (hg19) VCF-style: chr7-95906646-G-T.
Other names: c.74C>A, p.Ala25Glu (NM_001160210.2); short protein forms A25E.
Identifiers: ClinVar variation 2678843 (VCV002678843.2), dbSNP rs1363947528, ClinGen allele CA368406748.